The following is an entry in ClinVar:

NM_000256.3(MYBPC3):c.3242dup (p.Asn1081fs)

Gene: MYBPC3 (myosin binding protein C3; minus strand). Cytogenetic location: 11p11.2.
Variant type: Duplication.
Coding change: c.3242dup on transcript NM_000256.3 (MANE Select); coding-DNA position 3242, one base duplicated (A; older notation c.3242dupA).
Protein change: p.Asn1081fs; shifts the reading frame from asparagine 1081.
Molecular consequence: frameshift variant.
Genome position (GRCh38, 1-based): chr11:47,333,282, T duplicated on the plus strand (A on the coding strand, the reverse complement: MYBPC3 is on the minus strand); the first of 2 consecutive T bases (chr11:47,333,282-47,333,283); duplicating either gives the same sequence. VCF-style (leftmost placement, unchanged base first): chr11-47333281-A-AT. GRCh37 (hg19) VCF-style: chr11-47354832-A-AT.
Other names: c.3242dupA (NM_000256.3); short protein forms N1081fs.
Identifiers: ClinVar variation 1729315 (VCV001729315.7), dbSNP rs2495740196, ClinGen allele CA2580084227.

ClinVar aggregate classification (germline): Pathogenic/Likely pathogenic. Review status: criteria provided, multiple submitters, no conflicts (2 of 4 stars). 3 submissions from 3 submitters: Pathogenic (2); Likely pathogenic (1). Last evaluated 2025-09-14.

Conditions:
MYBPC3-related disorder. Also called: MYBPC3-related condition; MYBPC3-related disease; MYBPC3-related disorders.
Hypertrophic cardiomyopathy. Also called: HYPERTROPHIC MYOCARDIOPATHY. Identifiers: Orphanet 217569, MedGen C0007194, MeSH D002312, MONDO:0005045, HP:0001639.
Cardiovascular phenotype. Identifiers: MedGen CN230736.

Submissions (3):

Labcorp Genetics (formerly Invitae), Labcorp
Classification: Pathogenic for Hypertrophic cardiomyopathy. Last evaluated: 2025-09-14. Review status: criteria provided, single submitter. Criteria: Invitae Variant Classification Sherloc (09022015). Collection method: clinical testing. Allele origin: germline.
Comment: This sequence change creates a premature translational stop signal (p.Asn1081Lysfs*68) in the MYBPC3 gene. It is expected to result in an absent or disrupted protein product. Loss-of-function variants in MYBPC3 are known to be pathogenic (PMID: 19574547). This variant is not present in population databases (gnomAD no frequency). This variant has not been reported in the literature in individuals affected with MYBPC3-related conditions. ClinVar contains an entry for this variant (Variation ID: 1729315). For these reasons, this variant has been classified as Pathogenic.

Ambry Genetics
Classification: Pathogenic for Cardiovascular phenotype. Last evaluated: 2024-09-13. Review status: criteria provided, single submitter. Criteria: Ambry Variant Classification Scheme 2023. Collection method: clinical testing. Allele origin: germline.
Comment: The c.3242dupA pathogenic mutation, located in coding exon 30 of the MYBPC3 gene, results from a duplication of A at nucleotide position 3242, causing a translational frameshift with a predicted alternate stop codon (p.N1081Kfs*68). This variant is considered to be rare based on population cohorts in the Genome Aggregation Database (gnomAD). This alteration is expected to result in loss of function by premature protein truncation or nonsense-mediated mRNA decay. As such, this alteration is interpreted as a disease-causing mutation.

Blueprint Genetics
Classification: Likely pathogenic for MYBPC3-related disorders. Last evaluated: 2020-10-29. Review status: criteria provided, single submitter. Criteria: ACMG Guidelines, 2015. Collection method: clinical testing. Allele origin: germline. Affected: yes. Observed: 1 variant allele.

Literature cited by the submitters: PubMed 19574547 (cited by Labcorp Genetics (formerly Invitae), Labcorp).